The following is an entry in ClinVar:

NM_001329943.3(KIAA0586):c.1568C>T (p.Ala523Val)

Gene: KIAA0586 (KIAA0586; plus strand). Cytogenetic location: 14q23.1.
Variant type: single nucleotide variant.
Coding change: c.1568C>T on transcript NM_001329943.3 (MANE Select); coding-DNA position 1568, C replaced by T.
Protein change: p.Ala523Val; replaces alanine 523 with valine.
Molecular consequence: missense variant.
Genome position (GRCh38, 1-based): chr14:58,457,964, C>T. VCF-style: chr14-58457964-C-T. GRCh37 (hg19) VCF-style: chr14-58924682-C-T.
Other names: c.1727C>T, p.Ala576Val (NM_001244189.2); c.1523C>T, p.Ala508Val (NM_001244190.2); c.1313C>T, p.Ala438Val (NM_001244191.2, NM_001329945.2, NM_001364700.1 and 1 more transcripts); c.1436C>T, p.Ala479Val (NM_001244192.2); c.1148C>T, p.Ala383Val (NM_001244193.2); c.1568C>T, p.Ala523Val (NM_001329944.2, NM_001329946.2, NM_001329947.2 and 1 more transcripts); short protein forms A523V, A576V, A383V, A508V, A438V, A479V.
Identifiers: ClinVar variation 800238 (VCV000800238.12), dbSNP rs556274091, ClinGen allele CA7205685.

ClinVar aggregate classification (germline): Conflicting classifications of pathogenicity. Review status: criteria provided, conflicting classifications (1 of 4 stars). 3 submissions from 3 submitters: Uncertain significance (1); Likely benign (2). Last evaluated 2025-11-13.

Conditions:
Joubert syndrome 23 (JBTS23). Identifiers: Orphanet 475, MedGen C4084822, MONDO:0014664, OMIM 616490.
Short-rib thoracic dysplasia 14 with polydactyly (SRTD14). Identifiers: Orphanet 397715, MedGen C4225286, MONDO:0014688, OMIM 616546.

Allele frequency attached by ClinVar (database versions not stated): gnomAD 0.00001 and 0.00010; TOPMed 0.00001; gnomAD exomes 0.00014 and 0.00030; 1000 Genomes Project 0.00040; ExAC 0.00040; 1000 Genomes Project 30x 0.00047.
gnomAD v4.1: 216 of 1,588,796 alleles (0.014%); highest among the groups gnomAD compares: South Asian, 0.23%; 1 homozygote.

Submissions (3):

Labcorp Genetics (formerly Invitae), Labcorp
Classification: Likely benign for Joubert syndrome 23; Short-rib thoracic dysplasia 14 with polydactyly. Last evaluated: 2025-11-13. Review status: criteria provided, single submitter. Criteria: Invitae Variant Classification Sherloc (09022015). Collection method: clinical testing. Allele origin: germline.

GeneDx
Classification: Uncertain significance. Last evaluated: 2025-06-06. Review status: criteria provided, single submitter. Criteria: GeneDx Variant Classification Process June 2021. Collection method: clinical testing. Allele origin: germline. Affected: yes.
Comment: In silico analysis supports that this missense variant has a deleterious effect on protein structure/function; Has not been previously published as pathogenic or benign to our knowledge

Blueprint Genetics
Classification: Likely benign. Last evaluated: 2024-11-18. Review status: criteria provided, single submitter. Criteria: ACMG Guidelines, 2015. Collection method: clinical testing. Allele origin: germline.